The following is an entry in ClinVar:

NM_007294.4(BRCA1):c.4980A>T (p.Glu1660Asp)

Gene: BRCA1 (BRCA1 DNA repair associated; minus strand). Cytogenetic location: 17q21.31.
Variant type: single nucleotide variant.
Coding change: c.4980A>T on transcript NM_007294.4 (MANE Select); coding-DNA position 4980, A replaced by T.
Protein change: p.Glu1660Asp; replaces glutamic acid 1660 with aspartic acid.
Molecular consequence: missense variant. On other transcripts: non-coding transcript variant (1).
Genome position (GRCh38, 1-based): chr17:43,070,934, T>A on the plus strand (A>T on the coding strand, the complement: BRCA1 is on the minus strand). VCF-style: chr17-43070934-T-A. GRCh37 (hg19) VCF-style: chr17-41222951-T-A.
Other names: c.4767A>T, p.Glu1589Asp (NM_001407571.1, NM_001407900.1, NM_001407902.1 and 12 more transcripts); c.5046A>T, p.Glu1682Asp (NM_001407581.1, NM_001407582.1); c.5043A>T, p.Glu1681Asp (NM_001407583.1, NM_001407585.1, NM_001407587.1 and 1 more transcripts); c.4977A>T, p.Glu1659Asp (NM_001407610.1, NM_001407611.1, NM_001407612.1 and 17 more transcripts); c.4974A>T, p.Glu1658Asp (NM_001407629.1, NM_001407630.1, NM_001407631.1 and 14 more transcripts); c.4920A>T, p.Glu1640Asp (NM_001407649.1); c.4980A>T, p.Glu1660Asp (NM_001407652.1, NM_001407593.1, NM_001407594.1 and 8 more transcripts); c.4902A>T, p.Glu1634Asp (NM_001407653.1, NM_001407654.1, NM_001407655.1); and 70 more; short protein forms E1613D, E556D, E1681D, E1660D, E518D, E530D, E792D, E1533D.
Identifiers: ClinVar variation 868887 (VCV000868887.3), dbSNP rs2052355896, ClinGen allele CA10591565.
Genomic context (GRCh38, chr17:43,070,934, plus strand): 5'-TCCAGAATGTTGTTAAGTCTTAGTCATTAGGGAGATACATATGGATACACTCACAAATTC[T>A]TCTGGGGTCAGGCCAGACACCACCATGGACATTCTTTTGTTGACCCTTTCTGTTGAAGCT-3'
Protein context (NP_009225.1, residues 1650-1670): MSMVVSGLTP[Glu1660Asp]EFMLVYKFAR

Conditions:
Breast-ovarian cancer, familial, susceptibility to, 1 (BROVCA1). Also called: BRCA1 Hereditary Breast and Ovarian Cancer; OVARIAN CANCER, SUSCEPTIBILITY TO. Identifiers: Orphanet 145, MedGen C2676676, MONDO:0011450, OMIM 604370. Disease mechanism: loss of function.

Submission:

Brotman Baty Institute, University of Washington
No classification provided (evidence only). Condition: Breast-ovarian cancer, familial 1. Review status: no classification provided. Collection method: in vitro. Allele origin: not applicable. Functional consequence: functionally_normal.
ClinVar note: "not provided" was previously submitted as the classification for the variant. However, the classification appeared to be based only on an observation of functional data so it was converted to no classification on 2025-07-30.